The following is an entry in ClinVar:

NM_021831.6(AGBL5):c.1373A>G (p.Asn458Ser)

Gene: AGBL5 (AGBL carboxypeptidase 5; plus strand). Cytogenetic location: 2p23.3.
Variant type: single nucleotide variant.
Coding change: c.1373A>G on transcript NM_021831.6 (MANE Select); coding-DNA position 1373, A replaced by G.
Protein change: p.Asn458Ser; replaces asparagine 458 with serine.
Molecular consequence: missense variant. On other transcripts: non-coding transcript variant (2).
Genome position (GRCh38, 1-based): chr2:27,056,630, A>G. VCF-style: chr2-27056630-A-G. GRCh37 (hg19) VCF-style: chr2-27279498-A-G.
Other names: c.1373A>G, p.Asn458Ser (NM_001035507.3); short protein forms N458S.
Identifiers: ClinVar variation 1363835 (VCV001363835.8), dbSNP rs2148278543, ClinGen allele CA346181800.

ClinVar aggregate classification (germline): Uncertain significance (1 of 4 stars; one submission).

Submission:

Labcorp Genetics (formerly Invitae), Labcorp
Classification: Uncertain significance. Last evaluated: 2022-03-17. Review status: criteria provided, single submitter. Criteria: Invitae Variant Classification Sherloc (09022015). Collection method: clinical testing. Allele origin: germline.
Comment: In summary, the available evidence is currently insufficient to determine the role of this variant in disease. Therefore, it has been classified as a Variant of Uncertain Significance. Algorithms developed to predict the effect of missense changes on protein structure and function are either unavailable or do not agree on the potential impact of this missense change (SIFT: "Tolerated"; PolyPhen-2: "Possibly Damaging"; Align-GVGD: "Class C0"). This variant has not been reported in the literature in individuals affected with AGBL5-related conditions. This variant is not present in population databases (gnomAD no frequency). This sequence change replaces asparagine, which is neutral and polar, with serine, which is neutral and polar, at codon 458 of the AGBL5 protein (p.Asn458Ser).